The following is an entry in ClinVar:

ClinVar aggregate classification (germline): Uncertain significance (1 of 4 stars; one submission).

gnomAD v4.1: 12 of 1,610,022 alleles (0.00075%); highest among the groups gnomAD compares: African/African-American, 0.0013%; no homozygotes.

Submission:

Labcorp Genetics (formerly Invitae), Labcorp
Classification: Uncertain significance. Last evaluated: 2024-12-23. Review status: criteria provided, single submitter. Criteria: Invitae Variant Classification Sherloc (09022015). Collection method: clinical testing. Allele origin: germline.
Comment: This sequence change replaces arginine, which is basic and polar, with histidine, which is basic and polar, at codon 2976 of the SPEG protein (p.Arg2976His). This variant is present in population databases (rs768835793, gnomAD 0.002%). This variant has not been reported in the literature in individuals affected with SPEG-related conditions. An algorithm developed to predict the effect of missense changes on protein structure and function (PolyPhen-2) suggests that this variant is likely to be disruptive. In summary, the available evidence is currently insufficient to determine the role of this variant in disease. Therefore, it has been classified as a Variant of Uncertain Significance.

NM_005876.5(SPEG):c.8927G>A (p.Arg2976His)

Genes: ASIC4-AS1 (ASIC4 antisense RNA 1; minus strand), SPEG (striated muscle enriched protein kinase; plus strand). Cytogenetic location: 2q35.
Variant type: single nucleotide variant.
Coding change: c.8927G>A on transcript NM_005876.5 (MANE Select); coding-DNA position 8927, G replaced by A.
Protein change: p.Arg2976His; replaces arginine 2976 with histidine.
Molecular consequence: missense variant.
Genome position (GRCh38, 1-based): chr2:219,490,414, G>A. VCF-style: chr2-219490414-G-A. GRCh37 (hg19) VCF-style: chr2-220355136-G-A.
Other names: short protein forms R2976H.
Identifiers: ClinVar variation 3618403 (VCV003618403.2).
Genomic context (GRCh38, chr2:219,490,414, plus strand): 5'-GAAGTGTCCCCCTCCTCTCCTCTGAGCCGGTGGTGTCCCTCCCCCCGACACACAGGGGCC[G>A]CTTTGGTGTTGTGCGAGCGTGCCGGGAGAATGCCACGGGGCGAACGTTCGTGGCCAAGAT-3'
Protein context (NP_005867.3, residues 2966-2986): YTFLEEKARG[Arg2976His]FGVVRACREN